The following is an entry in ClinVar:

NM_207122.2(EXT2):c.933G>A (p.Val311=)

Gene: EXT2 (exostosin glycosyltransferase 2; plus strand). Cytogenetic location: 11p11.2.
Variant type: single nucleotide variant.
Coding change: c.933G>A on transcript NM_207122.2 (MANE Select); coding-DNA position 933, G replaced by A.
Protein change: p.Val311=; no amino-acid change (valine 311 retained).
Molecular consequence: synonymous variant.
Genome position (GRCh38, 1-based): chr11:44,124,978, G>A. VCF-style: chr11-44124978-G-A. GRCh37 (hg19) VCF-style: chr11-44146528-G-A.
Other names: c.933G>A, p.Val311= (NM_001178083.3, NM_001389628.1, NM_001389630.1); c.1032G>A, p.Val344= (NM_000401.3).
Identifiers: ClinVar variation 2420907 (VCV002420907.4), dbSNP rs2135015705, ClinGen allele CA473811483.
Genomic context (GRCh38, chr11:44,124,978, plus strand): 5'-GGGTGTCCTTTCTGTCCGTAAGCGCTGCCACAAGCACCAGGTCTTCGATTACCCACAGGT[G>A]CTACAGGTGAGTGTCATTCATTACCTCTCGCAAAGGCTCAGGAGAGTTTGCTTACATGGG-3'
Protein context (NP_997005.1, residues 301-321): HKHQVFDYPQ[Val311=]LQEATFCVVL

ClinVar aggregate classification (germline): Uncertain significance (1 of 4 stars; one submission).

Conditions:
Exostoses, multiple, type 2 (EXT2). Also called: Hereditary Multiple Osteochondromatosis, Type II; EXOSTOSES, MULTIPLE, TYPE II. Identifiers: Orphanet 321, MedGen C1851413, MONDO:0007586, OMIM 133701.

Submission:

Labcorp Genetics (formerly Invitae), Labcorp
Classification: Uncertain significance for Exostoses, multiple, type 2. Last evaluated: 2022-03-04. Review status: criteria provided, single submitter. Criteria: Invitae Variant Classification Sherloc (09022015). Collection method: clinical testing. Allele origin: germline.
Comment: Algorithms developed to predict the effect of sequence changes on RNA splicing suggest that this variant may create or strengthen a splice site. This variant has not been reported in the literature in individuals affected with EXT2-related conditions. This variant is not present in population databases (gnomAD no frequency). This sequence change affects codon 311 of the EXT2 mRNA. It is a 'silent' change, meaning that it does not change the encoded amino acid sequence of the EXT2 protein. In summary, the available evidence is currently insufficient to determine the role of this variant in disease. Therefore, it has been classified as a Variant of Uncertain Significance.